The following is an entry in ClinVar:

NC_000016.9:g.(?_2103323)_(2115656_?)dup

Gene: TSC2 (TSC complex subunit 2; plus strand). Cytogenetic location: 16p13.3.
Variant type: Duplication.
Identifiers: ClinVar variation 2423301 (VCV002423301.4).

ClinVar aggregate classification (germline): Uncertain significance (1 of 4 stars; one submission).

Conditions:
Tuberous sclerosis 2 (TSC2). Identifiers: Orphanet 805, MedGen C1860707, MONDO:0013199, OMIM 613254.

Submission:

Labcorp Genetics (formerly Invitae), Labcorp
Classification: Uncertain significance for Tuberous sclerosis 2. Last evaluated: 2022-08-23. Review status: criteria provided, single submitter. Criteria: Invitae Variant Classification Sherloc (09022015). Collection method: clinical testing. Allele origin: germline.
Comment: In summary, the available evidence is currently insufficient to determine the role of this variant in disease. Therefore, it has been classified as a Variant of Uncertain Significance. Experimental studies and prediction algorithms are not available or were not evaluated, and the functional significance of this variant is currently unknown. This variant has not been reported in the literature in individuals affected with TSC2-related conditions. This variant results in a copy number gain of the genomic region encompassing exon(s) 4-16 of the TSC2 gene. While the exact position of this variant cannot be determined from the data, sub-genic copy number gains are generally in tandem (PMID: 25640679). This variant is predicted to be in-frame, and likely preserves the integrity of the reading frame.

Literature cited by the submitters: PubMed 25640679.